The following is an entry in ClinVar:

ClinVar aggregate classification (germline): Benign/Likely benign. Review status: criteria provided, multiple submitters, no conflicts (2 of 4 stars). 10 submissions from 10 submitters: Benign (1); Likely benign (9). Last evaluated 2026-02-03.

Conditions:
Cardiovascular phenotype. Identifiers: MedGen CN230736.
MYPN-related myopathy (CMYO24). Also called: Nemaline myopathy 11, autosomal recessive. Identifiers: MedGen C4479186, MONDO:0015023, OMIM 617336.
Dilated cardiomyopathy 1KK (CMD1KK). Identifiers: Orphanet 154, Orphanet 75249, MedGen C3714995, MONDO:0014100, OMIM 615248.

Allele frequency attached by ClinVar (database versions not stated): gnomAD exomes 0.00018 and 0.00047; ExAC 0.00051; ESP Exome Variant Server 0.00154; 1000 Genomes Project 0.00180; 1000 Genomes Project 30x 0.00187; gnomAD 0.00202 and 0.00222; TOPMed 0.00220.

Submissions (10):

Labcorp Genetics (formerly Invitae), Labcorp
Classification: Benign for Dilated cardiomyopathy 1KK. Last evaluated: 2026-02-03. Review status: criteria provided, single submitter. Criteria: Invitae Variant Classification Sherloc (09022015). Collection method: clinical testing. Allele origin: germline.

Mayo Clinic Laboratories, Mayo Clinic
Classification: Likely benign. Last evaluated: 2025-02-13. Review status: criteria provided, single submitter. Criteria: ACMG Guidelines, 2015. Collection method: clinical testing. Allele origin: germline. Observed: 1 variant allele.
Comment: BS1, BS4_supporting

Blueprint Genetics
Classification: Likely benign. Last evaluated: 2024-07-15. Review status: criteria provided, single submitter. Criteria: ACMG Guidelines, 2015. Collection method: clinical testing. Allele origin: germline.

Genomic Medicine Center of Excellence, King Faisal Specialist Hospital and Research Centre
Classification: Likely benign for MYPN-related myopathy. Last evaluated: 2024-04-04. Review status: criteria provided, single submitter. Criteria: ACMG Guidelines, 2015. Collection method: clinical testing. Allele origin: germline.

Women's Health and Genetics/Laboratory Corporation of America, LabCorp
Classification: Likely benign. Last evaluated: 2023-04-10. Review status: criteria provided, single submitter. Criteria: LabCorp Variant Classification Summary - May 2015. Collection method: clinical testing. Allele origin: germline.

GeneDx
Classification: Likely benign. Last evaluated: 2020-11-20. Review status: criteria provided, single submitter. Criteria: GeneDx Variant Classification Process June 2021. Collection method: clinical testing. Allele origin: germline. Affected: yes.
Comment: This variant is associated with the following publications: (PMID: 23861362)

Ambry Genetics
Classification: Likely benign for Cardiovascular phenotype. Last evaluated: 2018-12-18. Review status: criteria provided, single submitter. Criteria: Ambry Variant Classification Scheme 2023. Collection method: clinical testing. Allele origin: germline.

Laboratory for Molecular Medicine, Mass General Brigham Personalized Medicine
Classification: Likely benign. Last evaluated: 2017-05-18. Review status: criteria provided, single submitter. Criteria: LMM Criteria. Collection method: clinical testing. Allele origin: germline. Observed: 2 variant alleles.
Comment: p.Ser1282Arg in exon 21 of MYPN: This variant is not expected to have clinical s ignificance because it has been identified in 0.7% (157/24030) of African chromo somes by the Genome Aggregation Database (gnomAD, rg/; dbSNP rs147659164).

Biesecker Lab/Clinical Genomics Section, National Institutes of Health
Classification: Likely benign. Last evaluated: 2013-06-24. Review status: criteria provided, single submitter. Criteria: Ng et al. (Circ Cardiovasc Genet. 2013). Collection method: research. Allele origin: unknown. Observed: 1 variant allele. Study: ClinSeq.
Comment: The study set was not selected for affection status in relation to any cancer. Pathogenicity categories were based on literature curation. See Pubmed ID:23861362 for details.

Medical sequencing

Breakthrough Genomics
Classification: Likely benign. Review status: criteria provided, single submitter. Criteria: ACMG Guidelines, 2015. Collection method: not provided. Allele origin: germline. Inheritance: Autosomal recessive inheritance. Affected: yes.

Literature cited by the submitters: PubMed 30260051 (cited by Mayo Clinic Laboratories, Mayo Clinic and Ambry Genetics).

NM_032578.4(MYPN):c.3846T>A (p.Ser1282Arg)

Gene: MYPN (myopalladin; plus strand). Cytogenetic location: 10q21.3.
Variant type: single nucleotide variant.
Coding change: c.3846T>A on transcript NM_032578.4 (MANE Select); coding-DNA position 3846, T replaced by A.
Protein change: p.Ser1282Arg; replaces serine 1282 with arginine.
Molecular consequence: missense variant. On other transcripts: non-coding transcript variant (2).
Genome position (GRCh38, 1-based): chr10:68,210,338, T>A. VCF-style: chr10-68210338-T-A. GRCh37 (hg19) VCF-style: chr10-69970095-T-A.
Other names: p.S1282R:AGT>AGA; c.3846T>A, p.Ser1282Arg (NM_001256267.2); c.2964T>A, p.Ser988Arg (NM_001256268.2); short protein forms S1282R, S988R.
Identifiers: ClinVar variation 192127 (VCV000192127.29), dbSNP rs147659164, ClinGen allele CA238425.